The following is an entry in ClinVar:

NM_001378418.1(TCF20):c.4387G>A (p.Ala1463Thr)

Gene: TCF20 (transcription factor 20; minus strand). Cytogenetic location: 22q13.2.
Variant type: single nucleotide variant.
Coding change: c.4387G>A on transcript NM_001378418.1 (MANE Select); coding-DNA position 4387, G replaced by A.
Protein change: p.Ala1463Thr; replaces alanine 1463 with threonine.
Molecular consequence: missense variant.
Genome position (GRCh38, 1-based): chr22:42,210,919, C>T on the plus strand (G>A on the coding strand, the complement: TCF20 is on the minus strand). VCF-style: chr22-42210919-C-T. GRCh37 (hg19) VCF-style: chr22-42606925-C-T.
Other names: c.4387G>A, p.Ala1463Thr (NM_005650.4, NM_181492.3); short protein forms A1463T.
Identifiers: ClinVar variation 2637501 (VCV002637501.6), dbSNP rs1601593340, ClinGen allele CA411784436.
Genomic context (GRCh38, chr22:42,210,919, plus strand): 5'-GGGAACCATCTGGTCTCCCTTGGTTACTACCAGGCTTCTGTGAGGTTGTGGATGTCATGG[C>T]ACCAGGGGGTTCCTTTCCGGCAGTAACTGTTTCTGCATGTGTCTCTGTCTTCACTTTGTC-3'
Protein context (NP_001365347.1, residues 1453-1473): TVTAGKEPPG[Ala1463Thr]MTSTTSQKPG

ClinVar aggregate classification (germline): Conflicting classifications of pathogenicity. Review status: criteria provided, conflicting classifications (1 of 4 stars). 3 submissions from 3 submitters: Uncertain significance (2); Benign (1). Last evaluated 2025-07-31.

Allele frequency attached by ClinVar (database versions not stated): TOPMed 0.00002.
gnomAD v4.1: 1 of 1,614,164 alleles (0.000062%); no homozygotes.

Submissions (3):

Dasa
Classification: Uncertain significance. Last evaluated: 2025-07-31. Review status: criteria provided, single submitter. Criteria: DASA Assertion Criteria. Collection method: clinical testing. Allele origin: germline.
Comment: NM_001378418.1(TCF20):c.4387G>A (p.Ala1463Thr) is a missense variant that results in the substitution of alanine with threonine. This variant is rare in population databases. Computational prediction algorithms are consistent with a benign effect. The currently available literature and clinical evidence are not sufficient to establish a definitive association between this variant and the reported condition. Therefore, this variant is classified as a variant of uncertain significance.

Labcorp Genetics (formerly Invitae), Labcorp
Classification: Benign. Last evaluated: 2025-01-23. Review status: criteria provided, single submitter. Criteria: Invitae Variant Classification Sherloc (09022015). Collection method: clinical testing. Allele origin: germline.

Women's Health and Genetics/Laboratory Corporation of America, LabCorp
Classification: Uncertain significance. Last evaluated: 2023-10-03. Review status: criteria provided, single submitter. Criteria: LabCorp Variant Classification Summary - May 2015. Collection method: clinical testing. Allele origin: germline.
Comment: Variant summary: TCF20 c.4387G>A (p.Ala1463Thr) results in a non-conservative amino acid change in the encoded protein sequence. Four of five in-silico tools predict a benign effect of the variant on protein function. The variant was absent in 251394 control chromosomes (gnomAD). The available data on variant occurrences in the general population are insufficient to allow any conclusion about variant significance. To our knowledge, no occurrence of c.4387G>A in individuals affected with Developmental Delay With Variable Intellectual Impairment And Behavioral Abnormalities and no experimental evidence demonstrating its impact on protein function have been reported. No submitters have reported clinical-significance assessments for this variant to ClinVar after 2014. Based on the evidence outlined above, the variant was classified as uncertain significance.